The following is an entry in ClinVar:

NM_000210.4(ITGA6):c.2564G>A (p.Trp855Ter)

Genes: ITGA6 (integrin subunit alpha 6; plus strand), PDK1-AS1 (PDK1 and ITGA6 antisense RNA 1; minus strand). Cytogenetic location: 2q31.1.
Variant type: single nucleotide variant.
Coding change: c.2564G>A on transcript NM_000210.4 (MANE Select); coding-DNA position 2564, G replaced by A.
Protein change: p.Trp855Ter; replaces tryptophan 855 with a stop codon.
Molecular consequence: nonsense.
Genome position (GRCh38, 1-based): chr2:172,489,543, G>A. VCF-style: chr2-172489543-G-A. GRCh37 (hg19) VCF-style: chr2-173354271-G-A.
Other names: c.2564G>A, p.Trp855Ter (NM_001079818.3, NM_001365529.2, NM_001365530.2); c.2207G>A, p.Trp736Ter (NM_001316306.2); c.2681G>A, p.Trp894Ter (NM_001394928.1); short protein forms W736*, W855*, W894*.
Identifiers: ClinVar variation 2694533 (VCV002694533.3), dbSNP rs2468389272, ClinGen allele CA349295526.

ClinVar aggregate classification (germline): Pathogenic (1 of 4 stars; one submission).

Submission:

Labcorp Genetics (formerly Invitae), Labcorp
Classification: Pathogenic. Last evaluated: 2023-11-09. Review status: criteria provided, single submitter. Criteria: Invitae Variant Classification Sherloc (09022015). Collection method: clinical testing. Allele origin: germline.
Comment: This sequence change creates a premature translational stop signal (p.Trp855*) in the ITGA6 gene. It is expected to result in an absent or disrupted protein product. Loss-of-function variants in ITGA6 are known to be pathogenic (PMID: 9158140, 9185503, 9804362, 27607025). This variant is not present in population databases (gnomAD no frequency). This variant has not been reported in the literature in individuals affected with ITGA6-related conditions. Algorithms developed to predict the effect of sequence changes on RNA splicing suggest that this variant may disrupt the consensus splice site. For these reasons, this variant has been classified as Pathogenic.

Literature cited by the submitters: PubMed 9158140; PubMed 9185503; PubMed 9804362; PubMed 27607025.